The following is an entry in ClinVar:

ClinVar aggregate classification (germline): Pathogenic/Likely pathogenic. Review status: criteria provided, multiple submitters, no conflicts (2 of 4 stars). 2 submissions from 2 submitters: Pathogenic (1); Likely pathogenic (1). Last evaluated 2022-03-28.

Conditions:
Duchenne muscular dystrophy (DMD). Also called: MUSCULAR DYSTROPHY, PSEUDOHYPERTROPHIC PROGRESSIVE, DUCHENNE TYPE; Duchenne Muscular Dystrophy (DMD). Identifiers: Orphanet 98896, MedGen C0013264, MONDO:0010679, OMIM 310200.

Submissions (2):

Revvity Omics, Revvity
Classification: Likely pathogenic. Last evaluated: 2022-03-28. Review status: criteria provided, single submitter. Criteria: ACMG Guidelines, 2015. Collection method: clinical testing. Allele origin: germline.

Labcorp Genetics (formerly Invitae), Labcorp
Classification: Pathogenic for Duchenne muscular dystrophy. Last evaluated: 2019-07-08. Review status: criteria provided, single submitter. Criteria: Invitae Variant Classification Sherloc (09022015). Collection method: clinical testing. Allele origin: germline.
Comment: For these reasons, this variant has been classified as Pathogenic. Loss-of-function variants in DMD are known to be pathogenic (PMID: 16770791, 25007885). This variant has not been reported in the literature in individuals with DMD-related conditions. This variant is not present in population databases (ExAC no frequency). This sequence change creates a premature translational stop signal (p.Ile813Metfs*7) in the DMD gene. It is expected to result in an absent or disrupted protein product.

Literature cited by the submitters: PubMed 16770791 (cited by Labcorp Genetics (formerly Invitae), Labcorp); PubMed 25007885 (cited by Labcorp Genetics (formerly Invitae), Labcorp).

NM_004006.3(DMD):c.2439del (p.Ile813fs)

Gene: DMD (dystrophin; minus strand). Cytogenetic location: Xp21.1.
Variant type: Deletion.
Coding change: c.2439del on transcript NM_004006.3 (MANE Select); coding-DNA position 2439, one base deleted (C; older notation c.2439delC).
Protein change: p.Ile813fs; shifts the reading frame from isoleucine 813.
Molecular consequence: frameshift variant.
Genome position (GRCh38, 1-based): chrX:32,491,460, G deleted on the plus strand (C on the coding strand, the reverse complement: DMD is on the minus strand). VCF-style (leftmost placement, unchanged base first): chrX-32491459-CG-C. GRCh37 (hg19) VCF-style: chrX-32509576-CG-C.
Other names: c.2415del, p.Ile805fs (NM_000109.4); c.2427del, p.Ile809fs (NM_004009.3); c.2070del, p.Ile690fs (NM_004010.3); short protein forms I805fs, I690fs, I813fs, I809fs.
Identifiers: ClinVar variation 951722 (VCV000951722.11), dbSNP rs2042990064, ClinGen allele CA1139667374.